The following is an entry in ClinVar:

NM_001292063.2(OTOG):c.7995C>T (p.Cys2665=)

Gene: OTOG (otogelin; plus strand). Cytogenetic location: 11p15.1.
Variant type: single nucleotide variant.
Coding change: c.7995C>T on transcript NM_001292063.2 (MANE Select); coding-DNA position 7995, C replaced by T.
Protein change: p.Cys2665=; no amino-acid change (cysteine 2665 retained).
Molecular consequence: synonymous variant.
Genome position (GRCh38, 1-based): chr11:17,640,804, C>T. VCF-style: chr11-17640804-C-T. GRCh37 (hg19) VCF-style: chr11-17662351-C-T.
Other names: c.8031C>T, p.Cys2677= (NM_001277269.2).
Identifiers: ClinVar variation 501256 (VCV000501256.9), dbSNP rs200809116, ClinGen allele CA218455871.

ClinVar aggregate classification (germline): Conflicting classifications of pathogenicity. Review status: criteria provided, conflicting classifications (1 of 4 stars). 2 submissions from 2 submitters: Uncertain significance (1); Likely benign (1). Last evaluated 2018-08-01.

Allele frequency attached by ClinVar (database versions not stated): TOPMed 0.00003; gnomAD 0.00001.
gnomAD v4.1: 40 of 1,550,192 alleles (0.0026%); highest among the groups gnomAD compares: Middle Eastern, 0.17%; 1 homozygote.

Submissions (2):

Laboratory for Molecular Medicine, Mass General Brigham Personalized Medicine
Classification: Likely benign. Last evaluated: 2018-08-01. Review status: criteria provided, single submitter. Criteria: LMM Criteria. Collection method: clinical testing. Allele origin: germline. Observed: 1 variant allele.
Comment: The p.Cys2677Cys variant in OTOG is classified as likely benign because it does not alter an amino acid residue, it is not located within the splice consensus s equence, and splice prediction algorithms do not predict a newly created splice site. It has also been identified in 5/66326 of European chromosomes by the Geno me Aggregation Database (gnomAD) and is repor ted in ClinVar (Variation ID: 501256). ACMG/AMP Criteria applied: BP4, BP7, PM2_ Supporting.

Eurofins Ntd Llc (ga)
Classification: Uncertain significance. Last evaluated: 2017-03-31. Review status: criteria provided, single submitter. Criteria: EGL Classification Definitions 2015. Collection method: clinical testing. Allele origin: germline. Observed: 1 variant allele, 1 heterozygote.